The following is an entry in ClinVar:

ClinVar aggregate classification (germline): Pathogenic (1 of 4 stars; one submission).

Conditions:
Hereditary cancer-predisposing syndrome. Also called: Neoplastic Syndromes, Hereditary; Tumor predisposition; Hereditary Cancer Syndrome; Hereditary neoplastic syndrome. Identifiers: Orphanet 140162, MedGen C0027672, MeSH D009386, MONDO:0015356.

Submission:

Ambry Genetics
Classification: Pathogenic for Hereditary cancer-predisposing syndrome. Last evaluated: 2025-07-14. Review status: criteria provided, single submitter. Criteria: Ambry Variant Classification Scheme 2023. Collection method: clinical testing. Allele origin: germline.
Comment: The c.1853dupT pathogenic mutation, located in coding exon 12 of the CTNNA1 gene, results from a duplication of T at nucleotide position 1853, causing a translational frameshift with a predicted alternate stop codon (p.Y619Ifs*2). This variant is considered to be rare based on population cohorts in the Genome Aggregation Database (gnomAD). This alteration is expected to result in loss of function by premature protein truncation or nonsense-mediated mRNA decay. As such, this alteration is interpreted as a disease-causing mutation.

NM_001903.5(CTNNA1):c.1853dup (p.Tyr619fs)

Gene: CTNNA1 (catenin alpha 1; plus strand). Cytogenetic location: 5q31.2.
Variant type: Duplication.
Coding change: c.1853dup on transcript NM_001903.5 (MANE Select); coding-DNA position 1853, one base duplicated (T; older notation c.1853dupT).
Protein change: p.Tyr619fs; shifts the reading frame from tyrosine 619.
Molecular consequence: frameshift variant.
Genome position (GRCh38, 1-based): chr5:138,925,361, T duplicated. VCF-style (leftmost placement, unchanged base first): chr5-138925360-G-GT. GRCh37 (hg19) VCF-style: chr5-138261049-G-GT.
Other names: c.1853dup, p.Tyr619fs (NM_001290307.3, NM_001323982.2, NM_001323983.1 and 2 more transcripts); c.1544dup, p.Tyr516fs (NM_001290309.3); c.1484dup, p.Tyr496fs (NM_001290310.3); c.743dup, p.Tyr249fs (NM_001290312.1, NM_001323987.1, NM_001323988.1 and 17 more transcripts); c.1760dup, p.Tyr588fs (NM_001323986.2); c.404dup, p.Tyr136fs (NM_001324006.1, NM_001324007.1, NM_001324008.1 and 2 more transcripts); c.650dup, p.Tyr218fs (NM_001324011.1); c.500dup, p.Tyr168fs (NM_001324012.1, NM_001324013.1); short protein forms Y516fs, Y218fs, Y249fs, Y168fs, Y588fs, Y619fs, Y136fs, Y496fs.
Identifiers: ClinVar variation 1781373 (VCV001781373.3), dbSNP rs2533736177, ClinGen allele CA2580072898.
Genomic context (GRCh38, chr5:138,925,360, plus strand): 5'-CTCAGCTCGGACCCTGCCCAGCCCATGGATGAGAATGAGTTTATCGATGCTTCCCGCCTG[G>GT]TATATGATGGCATCCGGGACATCAGGAAAGCAGTGCTGATGATAAGGGTGAGTAACTGCA-3'